The following is an entry in ClinVar:

NM_001318852.2(MAPK8IP3):c.2212C>T (p.Pro738Ser)

Gene: MAPK8IP3 (mitogen-activated protein kinase 8 interacting protein 3; plus strand). Cytogenetic location: 16p13.3.
Variant type: single nucleotide variant.
Coding change: c.2212C>T on transcript NM_001318852.2 (MANE Select); coding-DNA position 2212, C replaced by T.
Protein change: p.Pro738Ser; replaces proline 738 with serine.
Molecular consequence: missense variant.
Genome position (GRCh38, 1-based): chr16:1,764,391, C>T. VCF-style: chr16-1764391-C-T. GRCh37 (hg19) VCF-style: chr16-1814392-C-T.
Other names: c.2191C>T, p.Pro731Ser (NM_001040439.2); c.2209C>T, p.Pro737Ser (NM_015133.5); short protein forms P731S, P737S, P738S.
Identifiers: ClinVar variation 3342139 (VCV003342139.16).

ClinVar aggregate classification (germline): Uncertain significance (1 of 4 stars; one submission).

Submission:

CeGaT Center for Human Genetics Tuebingen
Classification: Uncertain significance. Last evaluated: 2024-08-01. Review status: criteria provided, single submitter. Criteria: CeGaT Center For Human Genetics Tuebingen Variant Classification Criteria Version 2. Collection method: clinical testing. Allele origin: germline. Affected: yes. Observed: 1 variant allele.
Comment: MAPK8IP3: PM2, BP4